The following is an entry in ClinVar:

ClinVar aggregate classification (germline): Uncertain significance. Review status: criteria provided, multiple submitters, no conflicts (2 of 4 stars). 2 submissions from 2 submitters: Uncertain significance (2). Last evaluated 2025-09-19.

Conditions:
Neuroblastoma, susceptibility to, 3. Also called: ALK-Related Neuroblastic Tumor Susceptibility. Identifiers: Orphanet 635, MedGen C2751681, MONDO:0013083, OMIM 613014.
Hereditary cancer-predisposing syndrome. Also called: Neoplastic Syndromes, Hereditary; Hereditary neoplastic syndrome; Tumor predisposition; Hereditary Cancer Syndrome. Identifiers: Orphanet 140162, MedGen C0027672, MeSH D009386, MONDO:0015356.

Allele frequency attached by ClinVar (database versions not stated): gnomAD exomes below 0.00001; ExAC 0.00001; TOPMed 0.00001.
gnomAD v4.1: 3 of 1,614,004 alleles (0.00019%); highest among the groups gnomAD compares: Non-Finnish European, 0.00017%; no homozygotes.

Submissions (2):

Ambry Genetics
Classification: Uncertain significance for Hereditary cancer-predisposing syndrome. Last evaluated: 2025-09-19. Review status: criteria provided, single submitter. Criteria: Ambry Variant Classification Scheme 2023. Collection method: clinical testing. Allele origin: germline.
Comment: The p.D305G variant (also known as c.914A>G), located in coding exon 3 of the ALK gene, results from an A to G substitution at nucleotide position 914. The aspartic acid at codon 305 is replaced by glycine, an amino acid with similar properties. This amino acid position is conserved. In addition, this alteration is predicted to be tolerated by in silico analysis. Since supporting evidence is limited at this time, the clinical significance of this alteration remains unclear.

Labcorp Genetics (formerly Invitae), Labcorp
Classification: Uncertain significance for Neuroblastoma, susceptibility to, 3. Last evaluated: 2024-12-24. Review status: criteria provided, single submitter. Criteria: Invitae Variant Classification Sherloc (09022015). Collection method: clinical testing. Allele origin: germline.
Comment: This sequence change replaces aspartic acid, which is acidic and polar, with glycine, which is neutral and non-polar, at codon 305 of the ALK protein (p.Asp305Gly). This variant is present in population databases (rs774123293, gnomAD 0.0009%). This variant has not been reported in the literature in individuals affected with ALK-related conditions. ClinVar contains an entry for this variant (Variation ID: 838753). An algorithm developed to predict the effect of missense changes on protein structure and function outputs the following: PolyPhen-2: "Benign". The glycine amino acid residue is found in multiple mammalian species, which suggests that this missense change does not adversely affect protein function. In summary, the available evidence is currently insufficient to determine the role of this variant in disease. Therefore, it has been classified as a Variant of Uncertain Significance.

NM_004304.5(ALK):c.914A>G (p.Asp305Gly)

Gene: ALK (ALK receptor tyrosine kinase; minus strand). Cytogenetic location: 2p23.2.
Variant type: single nucleotide variant.
Coding change: c.914A>G on transcript NM_004304.5 (MANE Select); coding-DNA position 914, A replaced by G.
Protein change: p.Asp305Gly; replaces aspartic acid 305 with glycine.
Molecular consequence: missense variant.
Genome position (GRCh38, 1-based): chr2:29,694,888, T>C on the plus strand (A>G on the coding strand, the complement: ALK is on the minus strand). VCF-style: chr2-29694888-T-C. GRCh37 (hg19) VCF-style: chr2-29917754-T-C.
Other names: short protein forms D305G.
Identifiers: ClinVar variation 838753 (VCV000838753.12), dbSNP rs774123293, ClinGen allele CA1594819.